The following is an entry in ClinVar:

NM_000090.4(COL3A1):c.4367T>C (p.Phe1456Ser)

Gene: COL3A1 (collagen type III alpha 1 chain; plus strand). Cytogenetic location: 2q32.2.
Variant type: single nucleotide variant.
Coding change: c.4367T>C on transcript NM_000090.4 (MANE Select); coding-DNA position 4367, T replaced by C.
Protein change: p.Phe1456Ser; replaces phenylalanine 1456 with serine.
Molecular consequence: missense variant.
Genome position (GRCh38, 1-based): chr2:189,011,740, T>C. VCF-style: chr2-189011740-T-C. GRCh37 (hg19) VCF-style: chr2-189876466-T-C.
Other names: short protein forms F1456S.
Identifiers: ClinVar variation 2059488 (VCV002059488.7), dbSNP rs2469172850, ClinGen allele CA349850438.

ClinVar aggregate classification (germline): Conflicting classifications of pathogenicity. Review status: criteria provided, conflicting classifications (1 of 4 stars). 2 submissions from 2 submitters: Likely pathogenic (1); Uncertain significance (1). Last evaluated 2022-11-29.

Conditions:
Ehlers-Danlos syndrome, type 4 (EDSVASC). Also called: Ehlers-Danlos syndrome vascular type; Ehlers Danlos syndrome, ecchymotic type; Ehlers Danlos syndrome, arterial type; Ehlers Danlos syndrome, Sack-Barabas type; Ehlers-Danlos Syndrome Type IV. Identifiers: Orphanet 286, MedGen C0268338, MONDO:0017314, OMIM 130050.

Submissions (2):

Labcorp Genetics (formerly Invitae), Labcorp
Classification: Likely pathogenic for Ehlers-Danlos syndrome, type 4. Last evaluated: 2022-11-29. Review status: criteria provided, single submitter. Criteria: Invitae Variant Classification Sherloc (09022015). Collection method: clinical testing. Allele origin: germline.
Comment: In summary, the currently available evidence indicates that the variant is pathogenic, but additional data are needed to prove that conclusively. Therefore, this variant has been classified as Likely Pathogenic. This variant disrupts the p.Phe1456 amino acid residue in COL3A1. Other variant(s) that disrupt this residue have been determined to be pathogenic (Invitae). This suggests that this residue is clinically significant, and that variants that disrupt this residue are likely to be disease-causing. Advanced modeling of protein sequence and biophysical properties (such as structural, functional, and spatial information, amino acid conservation, physicochemical variation, residue mobility, and thermodynamic stability) performed at Invitae indicates that this missense variant is expected to disrupt COL3A1 protein function. This variant has not been reported in the literature in individuals affected with COL3A1-related conditions. This variant is not present in population databases (gnomAD no frequency). This sequence change replaces phenylalanine, which is neutral and non-polar, with serine, which is neutral and polar, at codon 1456 of the COL3A1 protein (p.Phe1456Ser).

Revvity Omics, Revvity
Classification: Uncertain significance. Last evaluated: 2022-08-19. Review status: criteria provided, single submitter. Criteria: ACMG Guidelines, 2015. Collection method: clinical testing. Allele origin: germline.